The following is an entry in ClinVar:

ClinVar aggregate classification (germline): Uncertain significance (1 of 4 stars; one submission).

Submission:

Labcorp Genetics (formerly Invitae), Labcorp
Classification: Uncertain significance. Last evaluated: 2025-07-21. Review status: criteria provided, single submitter. Criteria: Invitae Variant Classification Sherloc (09022015). Collection method: clinical testing. Allele origin: germline.
Comment: This sequence change replaces methionine, which is neutral and non-polar, with arginine, which is basic and polar, at codon 1361 of the LRRK1 protein (p.Met1361Arg). This variant is not present in population databases (gnomAD no frequency). This variant has not been reported in the literature in individuals affected with LRRK1-related conditions. ClinVar contains an entry for this variant (Variation ID: 2106305). An algorithm developed to predict the effect of missense changes on protein structure and function (PolyPhen-2) suggests that this variant is likely to be disruptive. Algorithms developed to predict the effect of sequence changes on RNA splicing suggest that this variant may create or strengthen a splice site. In summary, the available evidence is currently insufficient to determine the role of this variant in disease. Therefore, it has been classified as a Variant of Uncertain Significance.

NM_024652.6(LRRK1):c.4082T>G (p.Met1361Arg)

Genes: LRRK1 (leucine rich repeat kinase 1; plus strand), LRRK1-AS1 (LRRK1 antisense RNA 1; minus strand). Cytogenetic location: 15q26.3.
Variant type: single nucleotide variant.
Coding change: c.4082T>G on transcript NM_024652.6 (MANE Select); coding-DNA position 4082, T replaced by G.
Protein change: p.Met1361Arg; replaces methionine 1361 with arginine.
Molecular consequence: missense variant.
Genome position (GRCh38, 1-based): chr15:101,054,973, T>G. VCF-style: chr15-101054973-T-G. GRCh37 (hg19) VCF-style: chr15-101595178-T-G.
Other names: short protein forms M1361R.
Identifiers: ClinVar variation 2106305 (VCV002106305.4), dbSNP rs2505468433, ClinGen allele CA393953926.